The following is an entry in ClinVar:

ClinVar aggregate classification (germline): Pathogenic (1 of 4 stars; one submission).

Conditions:
Tuberous sclerosis 1 (TSC1). Identifiers: Orphanet 805, MedGen C1854465, MONDO:0008612, OMIM 191100.

Submission:

Labcorp Genetics (formerly Invitae), Labcorp
Classification: Pathogenic for Tuberous sclerosis 1. Last evaluated: 2024-12-10. Review status: criteria provided, single submitter. Criteria: Invitae Variant Classification Sherloc (09022015). Collection method: clinical testing. Allele origin: germline.
Comment: This sequence change creates a premature translational stop signal (p.Cys401Serfs*4) in the TSC1 gene. It is expected to result in an absent or disrupted protein product. Loss-of-function variants in TSC1 are known to be pathogenic (PMID: 10227394, 17304050). This variant is not present in population databases (gnomAD no frequency). This variant has not been reported in the literature in individuals affected with TSC1-related conditions. For these reasons, this variant has been classified as Pathogenic.

Literature cited by the submitters: PubMed 10227394; PubMed 17304050.

NM_000368.5(TSC1):c.1202_1203del (p.Cys401fs)

Gene: TSC1 (TSC complex subunit 1; minus strand). Cytogenetic location: 9q34.13.
Variant type: Deletion.
Coding change: c.1202_1203del on transcript NM_000368.5 (MANE Select); coding-DNA positions 1202 to 1203, 2 bases deleted (GT; older notation c.1202_1203delGT).
Protein change: p.Cys401fs; shifts the reading frame from cysteine 401.
Molecular consequence: frameshift variant. On other transcripts: non-coding transcript variant (5).
Genome position (GRCh38, 1-based): chr9:132,910,631-132,910,632, AC deleted on the plus strand (GT on the coding strand, the reverse complement: TSC1 is on the minus strand); deleting any 2 consecutive bases within chr9:132,910,631-132,910,633 gives the same sequence; the c. name uses the placement nearest the transcript's 3' end. VCF-style (leftmost placement, unchanged base first): chr9-132910630-GAC-G. GRCh37 (hg19) VCF-style: chr9-135786017-GAC-G.
Other names: c.1199_1200del, p.Cys400fs (NM_001162426.2, NM_001406597.1, NM_001406598.1 and 6 more transcripts); c.1049_1050del, p.Cys350fs (NM_001162427.2, NM_001406610.1); c.839_840del, p.Cys280fs (NM_001362177.2, NM_001406614.1, NM_001406615.1 and 5 more transcripts); c.1202_1203del, p.Cys401fs (NM_001406592.1, NM_001406593.1, NM_001406594.1 and 7 more transcripts); c.836_837del, p.Cys279fs (NM_001406620.1, NM_001406621.1, NM_001406622.1 and 2 more transcripts); c.251_252del, p.Cys84fs (NM_001406626.1); c.248_249del, p.Cys83fs (NM_001406627.1, NM_001406628.1); c.149_150del, p.Cys50fs (NM_001406629.1, NM_001406630.1); and 1 more; short protein forms C279fs, C401fs, C50fs, C83fs, C400fs, C84fs, C280fs, C349fs.
Identifiers: ClinVar variation 3726966 (VCV003726966.2).